The following is an entry in ClinVar:

NM_002336.3(LRP6):c.878G>A (p.Cys293Tyr)

Gene: LRP6 (LDL receptor related protein 6; minus strand). Cytogenetic location: 12p13.2.
Variant type: single nucleotide variant.
Coding change: c.878G>A on transcript NM_002336.3 (MANE Select); coding-DNA position 878, G replaced by A.
Protein change: p.Cys293Tyr; replaces cysteine 293 with tyrosine.
Molecular consequence: missense variant. On other transcripts: non-coding transcript variant (1).
Genome position (GRCh38, 1-based): chr12:12,184,078, C>T on the plus strand (G>A on the coding strand, the complement: LRP6 is on the minus strand). VCF-style: chr12-12184078-C-T. GRCh37 (hg19) VCF-style: chr12-12337012-C-T.
Other names: c.878G>A, p.Cys293Tyr (NM_001414244.1, NM_001414245.1, NM_001414246.1 and 5 more transcripts); c.680G>A, p.Cys227Tyr (NM_001414247.1); c.425G>A, p.Cys142Tyr (NM_001414252.1, NM_001414253.1, NM_001414254.1); short protein forms C142Y, C227Y, C293Y.
Identifiers: ClinVar variation 2572668 (VCV002572668.1), dbSNP rs2498967682, ClinGen allele CA383952758.

ClinVar aggregate classification (germline): Uncertain significance (1 of 4 stars; one submission).

Submission:

GeneDx
Classification: Uncertain significance. Last evaluated: 2023-01-09. Review status: criteria provided, single submitter. Criteria: GeneDx Variant Classification Process June 2021. Collection method: clinical testing. Allele origin: germline. Affected: yes.
Comment: Not observed at significant frequency in large population cohorts (gnomAD); In silico analysis supports that this missense variant has a deleterious effect on protein structure/function; Has not been previously published as pathogenic or benign to our knowledge